The following is an entry in ClinVar:

NM_000329.3(RPE65):c.675C>G (p.Ile225Met)

Gene: RPE65 (retinoid isomerohydrolase RPE65; minus strand). Cytogenetic location: 1p31.3.
Variant type: single nucleotide variant.
Coding change: c.675C>G on transcript NM_000329.3 (MANE Select); coding-DNA position 675, C replaced by G.
Protein change: p.Ile225Met; replaces isoleucine 225 with methionine.
Molecular consequence: missense variant.
Genome position (GRCh38, 1-based): chr1:68,439,611, G>C on the plus strand (C>G on the coding strand, the complement: RPE65 is on the minus strand). VCF-style: chr1-68439611-G-C. GRCh37 (hg19) VCF-style: chr1-68905294-G-C.
Other names: NM_000329.3(RPE65):c.675C>G; p.Ile225Met; short protein forms I225M.
Identifiers: ClinVar variation 198416 (VCV000198416.19), dbSNP rs114379164, ClinGen allele CA203400.

ClinVar aggregate classification (germline): Likely benign. Review status: reviewed by expert panel (3 of 4 stars). 6 submissions from 6 submitters: Likely benign (1). 5 of the submissions do not count toward it. Last evaluated 2024-02-20.

Conditions:
RPE65-related recessive retinopathy. Also called: Recessive RPE65 retinopathy. Identifiers: MedGen CN305526, MONDO:0100368.
RPE65-related disorder. Also called: RPE65-related disorders; RPE65-related condition. Identifiers: MedGen CN239301.
Retinitis pigmentosa 20 (RP20). Identifiers: Orphanet 791, MedGen C3151086, MONDO:0013425, OMIM 613794.
Leber congenital amaurosis 2 (LCA2). Also called: AMAUROSIS CONGENITA OF LEBER II; Autosomal Recessive RPE65-Related Retinal Degeneration. Identifiers: Orphanet 65, MedGen C1859844, MONDO:0008765, OMIM 204100. Disease mechanism: loss of function.

Allele frequency attached by ClinVar (database versions not stated): gnomAD 0.00186 and 0.00199; 1000 Genomes Project 30x 0.00203; 1000 Genomes Project 0.00220; TOPMed 0.00229; ESP Exome Variant Server 0.00231.
gnomAD v4.1: 566 of 1,613,850 alleles (0.035%); highest among the groups gnomAD compares: African/African-American, 0.68%; 2 homozygotes.

Submissions (6):

ClinGen Leber Congenital Amaurosis/early Onset Retinal Dystrophy Variant Curation Expert Panel, ClinGen
Classification: Likely benign for RPE65-related recessive retinopathy. Last evaluated: 2024-02-20. Review status: reviewed by expert panel. Criteria: ClinGen LCAeoRD ACMG Specifications RPE65 V1.0.0. Collection method: curation. Allele origin: germline. Inheritance: Autosomal recessive inheritance.
Comment: NM_000329.3(RPE65):c.675C>G is a missense variant that causes substitution of isoleucine with methionine at codon 225. It is present in gnomAD v.2.1.1 at a GrpMax allele frequency of 0.005741, with 157 alleles / 24964 total alleles in the African/African-American population, which is higher than the ClinGen LCA / eoRD VCEP BS1 threshold of >0.0008 (BS1). The computational predictor REVEL gives it a score of 0.238, which is below the ClinGen LCA / eoRD VCEP threshold of <0.290 and predicts a non-damaging effect on RPE65 function. The splicing impact predictor SpliceAI gives a delta score of 0.17 for acceptor loss, which is between the ClinGen LCA / eoRD VCEP recommended thresholds of >0.2 (PP3) and <0.1 (BP4) and does not strongly predict an impact on splicing, so neither PP3 nor BP4 is met. In summary, this variant meets the criteria to be classified as likely benign for RPE65-related recessive retinopathy based on the ACMG/AMP criteria applied, as specified by the ClinGen LCA / eoRD VCEP: BS1. (VCEP specifications version 1.0.0; date of approval 09/21/2023).

Labcorp Genetics (formerly Invitae), Labcorp
Classification: Likely benign for Leber congenital amaurosis 2; Retinitis pigmentosa 20. Last evaluated: 2026-01-26. Review status: criteria provided, single submitter. Criteria: Invitae Variant Classification Sherloc (09022015). Collection method: clinical testing. Allele origin: germline. Not counted in ClinVar's aggregate classification.

Blueprint Genetics
Classification: Likely benign. Last evaluated: 2024-10-09. Review status: criteria provided, single submitter. Criteria: ACMG Guidelines, 2015. Collection method: clinical testing. Allele origin: germline. Not counted in ClinVar's aggregate classification.

Eurofins Ntd Llc (ga)
Classification: Benign. Last evaluated: 2014-10-07. Review status: criteria provided, single submitter. Criteria: EGL Classification Definitions 2015. Collection method: clinical testing. Allele origin: germline. Observed: 1 variant allele, 1 heterozygote. Not counted in ClinVar's aggregate classification.

Breakthrough Genomics
Classification: Likely benign. Review status: criteria provided, single submitter. Criteria: ACMG Guidelines, 2015. Collection method: not provided. Allele origin: germline. Inheritance: Autosomal recessive inheritance. Affected: yes. Not counted in ClinVar's aggregate classification.

PreventionGenetics, part of Exact Sciences
Classification: Benign for RPE65-related condition. Last evaluated: 2020-07-06. Review status: no assertion criteria provided. Collection method: clinical testing. Allele origin: germline. Not counted in ClinVar's aggregate classification.
Comment: This variant is classified as benign based on ACMG/AMP sequence variant interpretation guidelines (Richards et al. 2015 PMID: 25741868, with internal and published modifications).